The following is an entry in ClinVar:

NM_007294.4(BRCA1):c.3856del (p.Ser1286fs)

Genes: BRCA1 (BRCA1 DNA repair associated; minus strand), LOC126862571 (BRD4-independent group 4 enhancer GRCh37_chr17:41243136-41244335; plus strand). Cytogenetic location: 17q21.31.
Variant type: Deletion.
Coding change: c.3856del on transcript NM_007294.4 (MANE Select); coding-DNA position 3856, one base deleted (A; older notation c.3856delA).
Protein change: p.Ser1286fs; shifts the reading frame from serine 1286.
Molecular consequence: frameshift variant. On other transcripts: intron variant (135).
Genome position (GRCh38, 1-based): chr17:43,091,675, T deleted on the plus strand (A on the coding strand, the reverse complement: BRCA1 is on the minus strand). VCF-style (leftmost placement, unchanged base first): chr17-43091674-CT-C. GRCh37 (hg19) VCF-style: chr17-41243691-CT-C.
Other names: 3975delA; c.3733del, p.Ser1245fs (NM_001407939.1, NM_001407648.1, NM_001407664.1 and 19 more transcripts); c.3730del, p.Ser1244fs (NM_001407940.1, NM_001407941.1, NM_001407649.1 and 11 more transcripts); c.3715del, p.Ser1239fs (NM_001407942.1, NM_001407944.1, NM_001407945.1 and 29 more transcripts); c.3712del, p.Ser1238fs (NM_001407943.1, NM_001407964.1, NM_001407740.1 and 20 more transcripts); c.3523del, p.Ser1175fs (NM_001407946.1, NM_001407947.1, NM_001407948.1 and 6 more transcripts); c.3520del, p.Ser1174fs (NM_001407954.1, NM_001407955.1, NM_001407956.1 and 1 more transcripts); c.3475del, p.Ser1159fs (NM_001407959.1, NM_001407960.1, NM_001407963.1); and 42 more; short protein forms S1239fs, S1286fs, S1118fs, S1174fs, S1197fs, S1215fs, S1238fs, S1244fs.
Identifiers: ClinVar variation 55030 (VCV000055030.10), dbSNP rs80357855, ClinGen allele CA002484.
Genomic context (GRCh38, chr17:43,091,674, plus strand): 5'-AAGTCTTCCAATTCACTGCACTGTGAAGAAAACAAGCTAGCAGAACATTTTGTTTCCTCA[CT>C]AAGGTGATGTTCCTGAGATGCCTTTGCCAATATTACCTGGTTACTGCAGTCATTTAAGCT-3'

ClinVar aggregate classification (germline): Pathogenic. Review status: reviewed by expert panel (3 of 4 stars). 5 submissions from 5 submitters: Pathogenic (1). 4 of the submissions do not count toward it. Last evaluated 2016-09-08.

Conditions:
Hereditary cancer-predisposing syndrome. Also called: Hereditary Cancer Syndrome; Hereditary neoplastic syndrome; Neoplastic Syndromes, Hereditary; Tumor predisposition. Identifiers: Orphanet 140162, MedGen C0027672, MeSH D009386, MONDO:0015356.
Hereditary breast ovarian cancer syndrome. Also called: BRCA1- and BRCA2-Associated Hereditary Breast and Ovarian Cancer; Hereditary breast and ovarian cancer syndrome; Hereditary breast and ovarian cancer syndrome (HBOC); Breast and ovarian cancer; Hereditary breast and/or ovarian cancer syndrome; Hereditary breast and ovarian cancer. Identifiers: Orphanet 145, MedGen C0677776, MeSH D061325, MONDO:0003582. Disease mechanism: loss of function.
Breast-ovarian cancer, familial, susceptibility to, 1 (BROVCA1). Also called: BRCA1 Hereditary Breast and Ovarian Cancer; OVARIAN CANCER, SUSCEPTIBILITY TO. Identifiers: Orphanet 145, MedGen C2676676, MONDO:0011450, OMIM 604370. Disease mechanism: loss of function.

Submissions (5):

Evidence-based Network for the Interpretation of Germline Mutant Alleles (ENIGMA)
Classification: Pathogenic for Breast-ovarian cancer, familial, susceptibility to, 1. Last evaluated: 2016-09-08. Review status: reviewed by expert panel. Criteria: ENIGMA BRCA1/2 Classification Criteria (2015). Collection method: curation. Allele origin: germline.
Comment: Variant allele predicted to encode a truncated non-functional protein.

Ambry Genetics
Classification: Pathogenic for Hereditary cancer-predisposing syndrome. Last evaluated: 2025-02-10. Review status: criteria provided, single submitter. Criteria: Ambry Variant Classification Scheme 2023. Collection method: clinical testing. Allele origin: germline. Not counted in ClinVar's aggregate classification.
Comment: The c.3856delA pathogenic mutation, located in coding exon 9 of the BRCA1 gene, results from a deletion of one nucleotide at nucleotide position 3856, causing a translational frameshift with a predicted alternate stop codon (p.S1286Vfs*21). This alteration has been detected in 1/2575 unselected patients with breast cancer and 0/2809 healthy control individuals from a Malaysian cohort (Wen WX et al. J Med Genet, 2018 Feb;55:97-103). This variant is considered to be rare based on population cohorts in the Genome Aggregation Database (gnomAD). This alteration is expected to result in loss of function by premature protein truncation or nonsense-mediated mRNA decay. As such, this alteration is interpreted as a disease-causing mutation.

Labcorp Genetics (formerly Invitae), Labcorp
Classification: Pathogenic for Hereditary breast ovarian cancer syndrome. Last evaluated: 2023-10-03. Review status: criteria provided, single submitter. Criteria: Invitae Variant Classification Sherloc (09022015). Collection method: clinical testing. Allele origin: germline. Not counted in ClinVar's aggregate classification.
Comment: This sequence change creates a premature translational stop signal (p.Ser1286Valfs*21) in the BRCA1 gene. It is expected to result in an absent or disrupted protein product. Loss-of-function variants in BRCA1 are known to be pathogenic (PMID: 20104584). This variant is not present in population databases (gnomAD no frequency). This premature translational stop signal has been observed in individual(s) with breast cancer (PMID: 24578176). ClinVar contains an entry for this variant (Variation ID: 55030). For these reasons, this variant has been classified as Pathogenic.

Consortium of Investigators of Modifiers of BRCA1/2 (CIMBA), c/o University of Cambridge
Classification: Pathogenic for Breast-ovarian cancer, familial, susceptibility to, 1. Last evaluated: 2015-10-02. Review status: criteria provided, single submitter. Criteria: CIMBA Mutation Classification guidelines May 2016. Collection method: clinical testing. Allele origin: germline. Not counted in ClinVar's aggregate classification.

Breast Cancer Information Core (BIC) (BRCA1)
Classification: Pathogenic for Breast-ovarian cancer, familial 1. Last evaluated: 2006-07-19. Review status: no assertion criteria provided. Collection method: clinical testing. Allele origin: germline, unknown. Affected: yes. Observed: 2 variant alleles. Not counted in ClinVar's aggregate classification.

Literature cited by the submitters: PubMed 28993434 (cited by Ambry Genetics); PubMed 20104584 (cited by Labcorp Genetics (formerly Invitae), Labcorp); PubMed 24578176 (cited by Labcorp Genetics (formerly Invitae), Labcorp).